The following is an entry in ClinVar:

ClinVar aggregate classification (germline): Uncertain significance. Review status: criteria provided, multiple submitters, no conflicts (2 of 4 stars). 2 submissions from 2 submitters: Uncertain significance (2). Last evaluated 2026-01-25.

Conditions:
Brugada syndrome 8 (BRGDA8). Identifiers: Orphanet 130, MedGen C2751083, MONDO:0013148, OMIM 613123.
Cardiovascular phenotype. Identifiers: MedGen CN230736.

Allele frequency attached by ClinVar (database versions not stated): gnomAD exomes below 0.00001; gnomAD 0.00001.
gnomAD v4.1: 3 of 1,548,006 alleles (0.00019%); highest among the groups gnomAD compares: East Asian, 0.0023%; no homozygotes.

Submissions (2):

Ambry Genetics
Classification: Uncertain significance for Cardiovascular phenotype. Last evaluated: 2026-01-25. Review status: criteria provided, single submitter. Criteria: Ambry Variant Classification Scheme 2023. Collection method: clinical testing. Allele origin: germline.
Comment: The p.S970F variant (also known as c.2909C>T), located in coding exon 8 of the HCN4 gene, results from a C to T substitution at nucleotide position 2909. The serine at codon 970 is replaced by phenylalanine, an amino acid with highly dissimilar properties. This amino acid position is conserved. In addition, the in silico prediction for this alteration is inconclusive. Based on the available evidence, the clinical significance of this variant remains unclear.

Labcorp Genetics (formerly Invitae), Labcorp
Classification: Uncertain significance for Brugada syndrome 8. Last evaluated: 2022-09-07. Review status: criteria provided, single submitter. Criteria: Invitae Variant Classification Sherloc (09022015). Collection method: clinical testing. Allele origin: germline.
Comment: In summary, the available evidence is currently insufficient to determine the role of this variant in disease. Therefore, it has been classified as a Variant of Uncertain Significance. Advanced modeling of protein sequence and biophysical properties (such as structural, functional, and spatial information, amino acid conservation, physicochemical variation, residue mobility, and thermodynamic stability) performed at Invitae indicates that this missense variant is not expected to disrupt HCN4 protein function. This variant has not been reported in the literature in individuals affected with HCN4-related conditions. This variant is not present in population databases (gnomAD no frequency). This sequence change replaces serine, which is neutral and polar, with phenylalanine, which is neutral and non-polar, at codon 970 of the HCN4 protein (p.Ser970Phe).

NM_005477.3(HCN4):c.2909C>T (p.Ser970Phe)

Gene: HCN4 (hyperpolarization activated cyclic nucleotide gated potassium channel 4; minus strand). Cytogenetic location: 15q24.1.
Variant type: single nucleotide variant.
Coding change: c.2909C>T on transcript NM_005477.3 (MANE Select); coding-DNA position 2909, C replaced by T.
Protein change: p.Ser970Phe; replaces serine 970 with phenylalanine.
Molecular consequence: missense variant.
Genome position (GRCh38, 1-based): chr15:73,323,184, G>A on the plus strand (C>T on the coding strand, the complement: HCN4 is on the minus strand). VCF-style: chr15-73323184-G-A. GRCh37 (hg19) VCF-style: chr15-73615525-G-A.
Other names: c.2909C>T (NM_005477.2); short protein forms S970F.
Identifiers: ClinVar variation 2154148 (VCV002154148.5), dbSNP rs1255706431, ClinGen allele CA393086960.